The following is an entry in ClinVar:

NM_017882.3(CLN6):c.749G>C (p.Arg250Pro)

Gene: CLN6 (CLN6 transmembrane ER protein; minus strand). Cytogenetic location: 15q23.
Variant type: single nucleotide variant.
Coding change: c.749G>C on transcript NM_017882.3 (MANE Select); coding-DNA position 749, G replaced by C.
Protein change: p.Arg250Pro; replaces arginine 250 with proline.
Molecular consequence: missense variant.
Genome position (GRCh38, 1-based): chr15:68,208,327, C>G on the plus strand (G>C on the coding strand, the complement: CLN6 is on the minus strand). VCF-style: chr15-68208327-C-G. GRCh37 (hg19) VCF-style: chr15-68500665-C-G.
Other names: c.845G>C, p.Arg282Pro (NM_001411068.1); short protein forms R250P, R282P.
Identifiers: ClinVar variation 5005452 (VCV005005452.2).

ClinVar aggregate classification (germline): Likely pathogenic (1 of 4 stars; one submission).

Conditions:
Ceroid lipofuscinosis, neuronal, 6A. Also called: Neuronal ceroid lipofuscinosis, late infantile, variant; Neuronal ceroid lipofuscinosis, Gypsy/Indian early juvenile variant; Neuronal ceroid lipofuscinosis 6; CLN6-Related Neuronal Ceroid-Lipofuscinosis. Identifiers: Orphanet 168491, Orphanet 228363, MedGen C5551375, MONDO:0011144, OMIM 601780.
Ceroid lipofuscinosis, neuronal, 6B (Kufs type). Also called: Neuronal ceroid lipofuscinosis 4A. Identifiers: Orphanet 700477, MedGen C5561927, MONDO:0008768, OMIM 204300.

gnomAD v4.1: 1 of 1,614,082 alleles (0.000062%); highest among the groups gnomAD compares: East Asian, 0.0022%; no homozygotes.

Submission:

Juno Genomics, Hangzhou Juno Genomics, Inc
Classification: Likely pathogenic for Ceroid lipofuscinosis, neuronal, 6A; Ceroid lipofuscinosis, neuronal, 6B (Kufs type). Review status: criteria provided, single submitter. Criteria: ACMG Guidelines, 2015. Collection method: clinical testing. Allele origin: germline.
Comment: Absent from controls (or at extremely low frequency if recessive) in Genome Aggregation Database.;Multiple lines of computational evidence support a deleterious effect on the gene or gene product.;For recessive disorders, detected in trans with a pathogenic variant.;Patient's phenotype or family history is highly specific for a disease with a single genetic etiology.